The following is an entry in ClinVar:

NM_005050.4(ABCD4):c.1006G>A (p.Asp336Asn)

Gene: ABCD4 (ATP binding cassette subfamily D member 4; minus strand). Cytogenetic location: 14q24.3.
Variant type: single nucleotide variant.
Coding change: c.1006G>A on transcript NM_005050.4 (MANE Select); coding-DNA position 1006, G replaced by A.
Protein change: p.Asp336Asn; replaces aspartic acid 336 with asparagine.
Molecular consequence: missense variant. On other transcripts: non-coding transcript variant (10).
Genome position (GRCh38, 1-based): chr14:74,292,573, C>T on the plus strand (G>A on the coding strand, the complement: ABCD4 is on the minus strand). VCF-style: chr14-74292573-C-T. GRCh37 (hg19) VCF-style: chr14-74759276-C-T.
Other names: c.880G>A, p.Asp294Asn (NM_001353591.2, NM_001353592.2); c.745G>A, p.Asp249Asn (NM_001353593.2); c.694G>A, p.Asp232Asn (NM_001353594.2); c.592G>A, p.Asp198Asn (NM_001353595.2, NM_001353596.2); c.541G>A, p.Asp181Asn (NM_001353597.2); c.529G>A, p.Asp177Asn (NM_001353598.2, NM_001353599.2, NM_001353600.2 and 2 more transcripts); c.217G>A, p.Asp73Asn (NM_001353602.2, NM_001353603.2, NM_001353604.2 and 6 more transcripts); c.877G>A, p.Asp293Asn (NM_020323.1); and 1 more; short protein forms D177N, D293N, D294N, D181N, D198N, D232N, D249N, D336N.
Identifiers: ClinVar variation 2116322 (VCV002116322.4), dbSNP rs2505482174, ClinGen allele CA390383054.

ClinVar aggregate classification (germline): Uncertain significance (1 of 4 stars; one submission).

Conditions:
Methylmalonic acidemia with homocystinuria, type cblJ (MAHCJ). Also called: METHYLMALONIC ACIDURIA AND HOMOCYSTINURIA, cblJ TYPE. Identifiers: Orphanet 369955, MedGen C3553915, MONDO:0013925, OMIM 614857.

gnomAD v4.1: 1 of 1,614,046 alleles (0.000062%); highest among the groups gnomAD compares: Non-Finnish European, 0.000085%; no homozygotes.

Submission:

Labcorp Genetics (formerly Invitae), Labcorp
Classification: Uncertain significance for Methylmalonic acidemia with homocystinuria, type cblJ. Last evaluated: 2022-06-30. Review status: criteria provided, single submitter. Criteria: Invitae Variant Classification Sherloc (09022015). Collection method: clinical testing. Allele origin: germline.
Comment: In summary, the available evidence is currently insufficient to determine the role of this variant in disease. Therefore, it has been classified as a Variant of Uncertain Significance. Algorithms developed to predict the effect of missense changes on protein structure and function are either unavailable or do not agree on the potential impact of this missense change (SIFT: "Deleterious"; PolyPhen-2: "Possibly Damaging"; Align-GVGD: "Class C0"). This variant has not been reported in the literature in individuals affected with ABCD4-related conditions. This variant is not present in population databases (gnomAD no frequency). This sequence change replaces aspartic acid, which is acidic and polar, with asparagine, which is neutral and polar, at codon 336 of the ABCD4 protein (p.Asp336Asn).